The following is an entry in ClinVar:

NM_020166.5(MCCC1):c.626G>A (p.Gly209Asp)

Gene: MCCC1 (methylcrotonyl-CoA carboxylase subunit 1; minus strand). Cytogenetic location: 3q27.1.
Variant type: single nucleotide variant.
Coding change: c.626G>A on transcript NM_020166.5 (MANE Select); coding-DNA position 626, G replaced by A.
Protein change: p.Gly209Asp; replaces glycine 209 with aspartic acid.
Molecular consequence: missense variant. On other transcripts: non-coding transcript variant (2).
Genome position (GRCh38, 1-based): chr3:183,071,223, C>T on the plus strand (G>A on the coding strand, the complement: MCCC1 is on the minus strand). VCF-style: chr3-183071223-C-T. GRCh37 (hg19) VCF-style: chr3-182789011-C-T.
Other names: c.275G>A, p.Gly92Asp (NM_001293273.2); c.299G>A, p.Gly100Asp (NM_001363880.1); c.626G>A (NM_020166.3); short protein forms G209D, G100D, G92D.
Identifiers: ClinVar variation 569048 (VCV000569048.9), dbSNP rs186209189, ClinGen allele CA2719027.
Genomic context (GRCh38, chr3:183,071,223, plus strand): 5'-AAAGAAGACAAGCCTGAATTGGCAAACACAAGCATGCACAATCTTACTTTTCCTCCTCCA[C>T]CCCGGACGGCTTTAATCATGACAGGATAGCCAATTCTCCTGGCGTGTTCCTTCAGGCACT-3'
Protein context (NP_064551.3, residues 199-219): GYPVMIKAVR[Gly209Asp]GGGKGMRIVR

ClinVar aggregate classification (germline): Uncertain significance. Review status: criteria provided, multiple submitters, no conflicts (2 of 4 stars). 4 submissions from 4 submitters: Uncertain significance (4). Last evaluated 2026-04-21.

Conditions:
MCCC1-related disorder. Also called: MCCC1-related condition.
3-methylcrotonyl-CoA carboxylase 1 deficiency (MCC1D). Also called: MCC 1 deficiency; 3 Alpha methylcrotonylglycinuria 1; MCCD TYPE 1; METHYLCROTONYLGLYCINURIA TYPE I. Identifiers: Orphanet 6, MedGen CN028786, MONDO:0008861, OMIM 210200.

Allele frequency attached by ClinVar (database versions not stated): gnomAD exomes below 0.00001.
gnomAD v4.1: 2 of 1,614,220 alleles (0.00012%); highest among the groups gnomAD compares: Admixed American, 0.0033%; no homozygotes.

Submissions (4):

GeneDx
Classification: Uncertain significance. Last evaluated: 2026-04-21. Review status: criteria provided, single submitter. Criteria: GeneDx Variant Classification Process June 2021. Collection method: clinical testing. Allele origin: germline.
Comment: Not observed at significant frequency in large population cohorts (gnomAD); In silico analysis supports that this missense variant has a deleterious effect on protein structure/function; Has not been previously published as pathogenic or benign to our knowledge

PreventionGenetics, part of Exact Sciences
Classification: Uncertain significance for MCCC1-related condition. Last evaluated: 2023-08-07. Review status: criteria provided, single submitter. Criteria: ACMG Guidelines, 2015. Collection method: clinical testing. Allele origin: germline.
Comment: The MCCC1 c.626G>A variant is predicted to result in the amino acid substitution p.Gly209Asp. To our knowledge, this variant has not been reported in the literature. A different substitution affecting the same amino acid (p.Gly209Ala) was reported along with a loss-of-function variant in a patient with 3-MCC deficiency (Yang et al. 2015. PubMed ID: 25382614). Of note, the p.Gly209 amino acid is located in the enzyme ATP binding pocket (Yang et al. 2015. PubMed ID: 25382614). This variant is reported in 0.0058% of alleles in individuals of Latino descent in gnomAD. Although we suspect that this variant may be pathogenic, at this time, the clinical significance of this variant is uncertain due to the absence of conclusive functional and genetic evidence.

Revvity Omics, Revvity
Classification: Uncertain significance for 3-methylcrotonyl-CoA carboxylase 1 deficiency. Last evaluated: 2022-10-10. Review status: criteria provided, single submitter. Criteria: ACMG Guidelines, 2015. Collection method: clinical testing. Allele origin: germline.

Labcorp Genetics (formerly Invitae), Labcorp
Classification: Uncertain significance for 3-methylcrotonyl-CoA carboxylase 1 deficiency. Last evaluated: 2022-06-01. Review status: criteria provided, single submitter. Criteria: Invitae Variant Classification Sherloc (09022015). Collection method: clinical testing. Allele origin: germline.
Comment: This sequence change replaces glycine, which is neutral and non-polar, with aspartic acid, which is acidic and polar, at codon 209 of the MCCC1 protein (p.Gly209Asp). This variant is present in population databases (rs186209189, gnomAD 0.006%). This variant has not been reported in the literature in individuals affected with MCCC1-related conditions. ClinVar contains an entry for this variant (Variation ID: 569048). Algorithms developed to predict the effect of missense changes on protein structure and function (SIFT, PolyPhen-2, Align-GVGD) all suggest that this variant is likely to be disruptive. In summary, the available evidence is currently insufficient to determine the role of this variant in disease. Therefore, it has been classified as a Variant of Uncertain Significance.